The following is an entry in ClinVar:

NM_000038.6(APC):c.3317del (p.Gly1106fs)

Gene: APC (APC regulator of Wnt signaling pathway; plus strand). Cytogenetic location: 5q22.2.
Variant type: Deletion.
Coding change: c.3317del on transcript NM_000038.6 (MANE Select); coding-DNA position 3317, one base deleted (G; older notation c.3317delG).
Protein change: p.Gly1106fs; shifts the reading frame from glycine 1106.
Molecular consequence: frameshift variant.
Genome position (GRCh38, 1-based): chr5:112,838,911, G deleted; the last of 4 consecutive G bases (chr5:112,838,908-112,838,911); deleting any one gives the same sequence. VCF-style (leftmost placement, unchanged base first): chr5-112838907-CG-C. GRCh37 (hg19) VCF-style: chr5-112174604-CG-C.
Other names: c.3317del, p.Gly1106fs (NM_001127510.3, NM_001354895.2); c.3263del, p.Gly1088fs (NM_001127511.3); c.3371del, p.Gly1124fs (NM_001354896.2); c.3347del, p.Gly1116fs (NM_001354897.2); c.3242del, p.Gly1081fs (NM_001354898.2); c.3233del, p.Gly1078fs (NM_001354899.2); c.3194del, p.Gly1065fs (NM_001354900.2); c.3140del, p.Gly1047fs (NM_001354901.2); and 5 more; short protein forms G1015fs, G1088fs, G823fs, G946fs, G1078fs, G980fs, G1005fs, G1047fs.
Identifiers: ClinVar variation 628070 (VCV000628070.13), dbSNP rs1561583917, ClinGen allele CA645543564.

ClinVar aggregate classification (germline): Pathogenic/Likely pathogenic. Review status: criteria provided, multiple submitters, no conflicts (2 of 4 stars). 3 submissions from 3 submitters: Pathogenic (2); Likely pathogenic (1). Last evaluated 2024-09-05.

Conditions:
APC-related disorder. Also called: APC-related condition.
Hereditary cancer-predisposing syndrome. Also called: Tumor predisposition; Neoplastic Syndromes, Hereditary; Hereditary Cancer Syndrome; Hereditary neoplastic syndrome. Identifiers: Orphanet 140162, MedGen C0027672, MeSH D009386, MONDO:0015356.
Familial adenomatous polyposis 1 (FAP1). Also called: FAMILIAL ADENOMATOUS POLYPOSIS 1, ATTENUATED; POLYPOSIS, ADENOMATOUS INTESTINAL. Identifiers: MedGen C2713442, MONDO:0021056, OMIM 175100. Disease mechanism: loss of function.

Submissions (3):

Blueprint Genetics
Classification: Pathogenic for APC-related disorders. Last evaluated: 2024-09-05. Review status: criteria provided, single submitter. Criteria: ACMG Guidelines, 2015. Collection method: clinical testing. Allele origin: germline. Affected: yes. Observed: 1 variant allele.

Labcorp Genetics (formerly Invitae), Labcorp
Classification: Pathogenic for Familial adenomatous polyposis 1. Last evaluated: 2024-05-06. Review status: criteria provided, single submitter. Criteria: Invitae Variant Classification Sherloc (09022015). Collection method: clinical testing. Allele origin: germline.
Comment: This sequence change creates a premature translational stop signal (p.Gly1106Glufs*20) in the APC gene. While this is not anticipated to result in nonsense mediated decay, it is expected to disrupt the last 1738 amino acid(s) of the APC protein. This variant is not present in population databases (gnomAD no frequency). This premature translational stop signal has been observed in individual(s) with clinical features of familial adenomatous polyposis syndrome (PMID: 10634400). ClinVar contains an entry for this variant (Variation ID: 628070). This variant is expected to disrupt the EB1 and HDLG binding sites, which mediate interactions with the cytoskeleton (PMID: 15311282, 17293347). While functional studies have not been performed to directly test the effect on APC protein function, this suggests that disruption of the C-terminal portion of the protein is functionally important. A different truncation (p.Tyr2645Lysfs*14) that lies downstream of this variant has been determined to be pathogenic (PMID: 9824584, 1316610, 27081525, 8381579, 22135120, Invitae). This suggests that deletion of this region of the APC protein is causative of disease. For these reasons, this variant has been classified as Pathogenic.

Color Diagnostics, LLC DBA Color Health
Classification: Likely pathogenic for Hereditary cancer-predisposing syndrome. Last evaluated: 2020-02-17. Review status: criteria provided, single submitter. Criteria: ACMG Guidelines, 2015. Collection method: clinical testing. Allele origin: germline.
Comment: This variant deletes 1 nucleotide in exon 16 of the APC gene, creating a frameshift and premature translation stop signal. This variant is expected to result in an absent or non-functional protein product. This variant has been reported in 1 FAP family (PMID 10768871). This variant has not been identified in the general population by the Genome Aggregation Database (gnomAD). Loss of APC function is a known mechanism of disease. Based on the available evidence, this variant is classified as Likely Pathogenic.

Literature cited by the submitters: PubMed 10634400 (cited by Labcorp Genetics (formerly Invitae), Labcorp); PubMed 15311282 (cited by Labcorp Genetics (formerly Invitae), Labcorp); PubMed 17293347 (cited by Labcorp Genetics (formerly Invitae), Labcorp); PubMed 9824584 (cited by Labcorp Genetics (formerly Invitae), Labcorp); PubMed 1316610 (cited by Labcorp Genetics (formerly Invitae), Labcorp); PubMed 27081525 (cited by Labcorp Genetics (formerly Invitae), Labcorp); PubMed 8381579 (cited by Labcorp Genetics (formerly Invitae), Labcorp); PubMed 22135120 (cited by Labcorp Genetics (formerly Invitae), Labcorp).